The following is an entry in ClinVar:

NM_001035.3(RYR2):c.3938TCT[1] (p.Phe1314del)

Genes: RYR2 (ryanodine receptor 2; plus strand), LOC126806067 (BRD4-independent group 4 enhancer GRCh37_chr1:237753258-237754457; plus strand). Cytogenetic location: 1q43.
Variant type: Microsatellite.
Coding change: c.3938TCT[1] on transcript NM_001035.3 (MANE Select); one copy of the 3-base unit TCT starting at c.3938; the reference has two copies in a row; one copy, 3 bases deleted; also written c.3941_3943del.
Protein change: p.Phe1314del; deletes phenylalanine 1314.
Molecular consequence: inframe deletion.
Genome position (GRCh38, 1-based): chr1:237,590,773-237,590,775, TCT deleted; deleting any 3 consecutive bases within chr1:237,590,770-237,590,775 gives the same sequence; the position shown is the placement nearest the transcript's 3' end. VCF-style (leftmost placement, unchanged base first): chr1-237590769-GTCT-G. GRCh37 (hg19) VCF-style: chr1-237754069-GTCT-G.
Other names: c.3941_3943del (NM_001035.3); short protein forms F1314del.
Identifiers: ClinVar variation 2774287 (VCV002774287.2), dbSNP rs2546614661, ClinGen allele CA2697547735.

ClinVar aggregate classification (germline): Uncertain significance (1 of 4 stars; one submission).

Conditions:
Cardiomyopathy (CMYO). Also called: Cardiomyopathies. Identifiers: Orphanet 167848, MedGen C0878544, MONDO:0004994, HP:0001638. Inheritance: Various modes of inheritance.

Submission:

Color Diagnostics, LLC DBA Color Health
Classification: Uncertain significance for Cardiomyopathy. Last evaluated: 2023-01-03. Review status: criteria provided, single submitter. Criteria: ACMG Guidelines, 2015. Collection method: clinical testing. Allele origin: germline.
Comment: This variant is located in the RYR2 protein. To our knowledge, functional studies have not been reported for this variant. This variant has not been reported in individuals affected with RYR2-related disorders in the literature. This variant has not been identified in the general population by the Genome Aggregation Database (gnomAD). The available evidence is insufficient to determine the role of this variant in disease conclusively. Therefore, this variant is classified as a Variant of Uncertain Significance.